The following is an entry in ClinVar:

NM_015443.4(KANSL1):c.1479C>T (p.Asp493=)

Gene: KANSL1 (KAT8 regulatory NSL complex subunit 1). Cytogenetic location: 17q21.31.
Variant type: single nucleotide variant.
Coding change: c.1479C>T on transcript NM_015443.4 (MANE Select); coding-DNA position 1479, C replaced by T.
Protein change: p.Asp493=; no amino-acid change (aspartic acid 493 retained).
Molecular consequence: synonymous variant. On other transcripts: intron variant (4).
Genome position (GRCh38, 1-based): chr17:46,082,495, G>A on the plus strand (C>T on the coding strand, the complement: KANSL1 is on the minus strand). VCF-style: chr17-46082495-G-A. GRCh37 (hg19) VCF-style: chr17-44159861-G-A.
Other names: c.1431+12065C>T (NM_001405861.1, NM_001405859.1, NM_001405860.1 and 1 more transcripts); c.1479C>T, p.Asp493= (NM_001193465.2, NM_001193466.2, NM_001379198.1 and 14 more transcripts); c.213C>T, p.Asp71= (NM_001405882.1, NM_001405883.1, NM_001405884.1 and 1 more transcripts).
Identifiers: ClinVar variation 2647858 (VCV002647858.24), dbSNP rs2079022047, ClinGen allele CA500371107.

ClinVar aggregate classification (germline): Likely benign (1 of 4 stars; one submission).

Allele frequency attached by ClinVar (database versions not stated): gnomAD 0.00001.

Submission:

CeGaT Center for Human Genetics Tuebingen
Classification: Likely benign. Last evaluated: 2023-01-01. Review status: criteria provided, single submitter. Criteria: CeGaT Center For Human Genetics Tuebingen Variant Classification Criteria Version 2. Collection method: clinical testing. Allele origin: germline. Affected: yes. Observed: 1 variant allele.
Comment: KANSL1: BP4, BP7